The following is an entry in ClinVar:

NM_014017.4(LAMTOR2):c.231+7A>G

Gene: LAMTOR2 (late endosomal/lysosomal adaptor, MAPK and MTOR activator 2; plus strand). Cytogenetic location: 1q22.
Variant type: single nucleotide variant.
Coding change: c.231+7A>G on transcript NM_014017.4 (MANE Select); 7 bases into the intron after coding-DNA position 231, A replaced by G.
Molecular consequence: intron variant.
Genome position (GRCh38, 1-based): chr1:156,055,432, A>G. VCF-style: chr1-156055432-A-G. GRCh37 (hg19) VCF-style: chr1-156025223-A-G.
Other names: c.231+7A>G (NM_001145264.2).
Identifiers: ClinVar variation 992528 (VCV000992528.10), dbSNP rs750943723, ClinGen allele CA1154334.
Genomic context (GRCh38, chr1:156,055,432, plus strand): 5'-GGGAACCAAGCGTTTAATGAAGACAATCTCAAATTCATCCTCATGGACTGCATGGTATGG[A>G]GAGGGGAGCCAGACTTCCCCTGTCCCCCAAAGGGGATCCCAAGGGGGCGACCTGGACCCC-3'

ClinVar aggregate classification (germline): Conflicting classifications of pathogenicity. Review status: criteria provided, conflicting classifications (1 of 4 stars). 2 submissions from 2 submitters: Uncertain significance (1); Likely benign (1). Last evaluated 2025-11-25.

Conditions:
Primary immunodeficiency syndrome due to p14 deficiency. Identifiers: Orphanet 90023, MedGen C1835829, MONDO:0012559, OMIM 610798.

Allele frequency attached by ClinVar (database versions not stated): ExAC 0.00001; gnomAD exomes 0.00002.
gnomAD v4.1: 6 of 1,614,180 alleles (0.00037%); highest among the groups gnomAD compares: Admixed American, 0.01%; no homozygotes.

Submissions (2):

Labcorp Genetics (formerly Invitae), Labcorp
Classification: Likely benign. Last evaluated: 2025-11-25. Review status: criteria provided, single submitter. Criteria: Invitae Variant Classification Sherloc (09022015). Collection method: clinical testing. Allele origin: germline.

Center for Genomics, Ann and Robert H. Lurie Children's Hospital of Chicago
Classification: Uncertain significance for Primary immunodeficiency syndrome due to p14 deficiency. Last evaluated: 2021-03-30. Review status: criteria provided, single submitter. Criteria: ACMG Guidelines, 2015. Collection method: clinical testing. Allele origin: germline.
Comment: LAMTOR2 NM_014017.3 exon 2 c.231+7A>G: This variant has not been reported in the literature but is present in 0.01% (5/34592) of Latino alleles in the Genome Aggregation Database. Evolutionary conservation and computational predictive tools for this variant are limited or unavailable. This variant is an intronic variant with no predicted change in the amino acid sequence but may have an unknown effect on splicing. Further studies are needed to understand its impact. In summary, data on this variant is insufficient for disease classification. Therefore, the clinical significance of this variant is uncertain.